The following is an entry in ClinVar:

ClinVar aggregate classification (germline): Uncertain significance (1 of 4 stars; one submission).

Submission:

CeGaT Center for Human Genetics Tuebingen
Classification: Uncertain significance. Last evaluated: 2024-05-01. Review status: criteria provided, single submitter. Criteria: CeGaT Center For Human Genetics Tuebingen Variant Classification Criteria Version 2. Collection method: clinical testing. Allele origin: germline. Affected: yes. Observed: 1 variant allele.
Comment: PSEN1: PM1, PM2, PP3

NM_000021.4(PSEN1):c.1333T>G (p.Phe445Val)

Gene: PSEN1 (presenilin 1; plus strand). Cytogenetic location: 14q24.2.
Variant type: single nucleotide variant.
Coding change: c.1333T>G on transcript NM_000021.4 (MANE Select); coding-DNA position 1333, T replaced by G.
Protein change: p.Phe445Val; replaces phenylalanine 445 with valine.
Molecular consequence: missense variant.
Genome position (GRCh38, 1-based): chr14:73,219,218, T>G. VCF-style: chr14-73219218-T-G. GRCh37 (hg19) VCF-style: chr14-73685926-T-G.
Other names: c.1321T>G, p.Phe441Val (NM_007318.3); short protein forms F441V, F445V.
Identifiers: ClinVar variation 3239494 (VCV003239494.19), dbSNP rs2503033958.